The following is an entry in ClinVar:

ClinVar aggregate classification (germline): Uncertain significance (1 of 4 stars; one submission).

Conditions:
Inborn genetic diseases. Identifiers: MedGen C0950123, MeSH D030342.

Submission:

Ambry Genetics
Classification: Uncertain significance for Inborn genetic diseases. Last evaluated: 2025-09-05. Review status: criteria provided, single submitter. Criteria: Ambry Variant Classification Scheme 2023. Collection method: clinical testing. Allele origin: germline.
Comment: The p.K9T variant (also known as c.26A>C), located in coding exon 1 of the DDX41 gene, results from an A to C substitution at nucleotide position 26. The lysine at codon 9 is replaced by threonine, an amino acid with similar properties. This amino acid position is highly conserved in available vertebrate species. In addition, this alteration is predicted to be tolerated by in silico analysis. Based on the available evidence, the clinical significance of this variant remains unclear.

NM_016222.4(DDX41):c.26A>C (p.Lys9Thr)

Gene: DDX41 (DEAD-box helicase 41; minus strand). Cytogenetic location: 5q35.3.
Variant type: single nucleotide variant.
Coding change: c.26A>C on transcript NM_016222.4 (MANE Select); coding-DNA position 26, A replaced by C.
Protein change: p.Lys9Thr; replaces lysine 9 with threonine.
Molecular consequence: missense variant. On other transcripts: 5 prime UTR variant (2).
Genome position (GRCh38, 1-based): chr5:177,516,920, T>G on the plus strand (A>C on the coding strand, the complement: DDX41 is on the minus strand). VCF-style: chr5-177516920-T-G. GRCh37 (hg19) VCF-style: chr5-176943921-T-G.
Other names: c.-630A>C (NM_001321732.2); c.-422A>C (NM_001321830.2); short protein forms K9T.
Identifiers: ClinVar variation 4238810 (VCV004238810.1).